The following is an entry in ClinVar:

NM_004453.4(ETFDH):c.1210A>T (p.Met404Leu)

Gene: ETFDH (electron transfer flavoprotein dehydrogenase; plus strand). Cytogenetic location: 4q32.1.
Variant type: single nucleotide variant.
Coding change: c.1210A>T on transcript NM_004453.4 (MANE Select); coding-DNA position 1210, A replaced by T.
Protein change: p.Met404Leu; replaces methionine 404 with leucine.
Molecular consequence: missense variant.
Genome position (GRCh38, 1-based): chr4:158,703,516, A>T. VCF-style: chr4-158703516-A-T. GRCh37 (hg19) VCF-style: chr4-159624668-A-T.
Other names: c.1069A>T, p.Met357Leu (NM_001281737.2); c.1027A>T, p.Met343Leu (NM_001281738.1); short protein forms M343L, M404L, M357L.
Identifiers: ClinVar variation 2767776 (VCV002767776.3), dbSNP rs2476721217, ClinGen allele CA358562961.
Genomic context (GRCh38, chr4:158,703,516, plus strand): 5'-CTAATTGGTTGTAGTCCTGGTTTTATGAATGTTCCCAAGATCAAAGGTACTCACACAGCA[A>T]TGAAAAGTGGAATTTTAGCAGCAGAATCTATTTTTAATCAACTAACTAGTGAAAATCTCC-3'
Protein context (NP_004444.2, residues 394-414): VPKIKGTHTA[Met404Leu]KSGILAAESI

ClinVar aggregate classification (germline): Likely pathogenic (1 of 4 stars; one submission).

Conditions:
Multiple acyl-CoA dehydrogenase deficiency (MADD). Also called: ETHYLMALONIC-ADIPICACIDURIA; GA II; Glutaric aciduria, type 2; Glutaric acidemia type II; GA 2; Glutaric Acidemia type 2. Identifiers: Orphanet 26791, MedGen C0268596, MONDO:0009282, OMIM 231680.

Submission:

Labcorp Genetics (formerly Invitae), Labcorp
Classification: Likely pathogenic for Multiple acyl-CoA dehydrogenase deficiency. Last evaluated: 2023-10-12. Review status: criteria provided, single submitter. Criteria: Invitae Variant Classification Sherloc (09022015). Collection method: clinical testing. Allele origin: germline.
Comment: This sequence change replaces methionine, which is neutral and non-polar, with leucine, which is neutral and non-polar, at codon 404 of the ETFDH protein (p.Met404Leu). This variant is not present in population databases (gnomAD no frequency). A different variant (c.1210A>C) giving rise to the same protein effect has been determined to be pathogenic (Invitae). This suggests that this variant is also likely to be causative of disease. Advanced modeling of protein sequence and biophysical properties (such as structural, functional, and spatial information, amino acid conservation, physicochemical variation, residue mobility, and thermodynamic stability) performed at Invitae indicates that this missense variant is not expected to disrupt ETFDH protein function. In summary, the currently available evidence indicates that the variant is pathogenic, but additional data are needed to prove that conclusively. Therefore, this variant has been classified as Likely Pathogenic.